The following is an entry in ClinVar:

ClinVar aggregate classification (germline): Pathogenic (1 of 4 stars; one submission).

Conditions:
Intellectual disability. Also called: intellectual disabilities; Intellectual functioning disability; Intellectual developmental disorder. Identifiers: MedGen C3714756, MeSH D008607, MONDO:0001071, HP:0001249.

Submission:

Laboratoire de Génétique Moléculaire, CHU Bordeaux
Classification: Pathogenic for Intellectual disability. Last evaluated: 2021-10-26. Review status: criteria provided, single submitter. Criteria: ACMG Guidelines, 2015. Collection method: clinical testing, in vitro. Allele origin: paternal, not applicable. Inheritance: Autosomal recessive inheritance. Affected: yes. Observed: 1 compound heterozygote. Functional consequence: Decreased function.
Comment: Variant was absent from population databases (gnomAD v2 and v3) and predicted pathogenic in silico (CADD phred score 25). Functional studies in-vitro showed major defects in enzymatic function. Variant was found in coumpound heterozygosity with another pathogenic variant of EPRS1 (NM_004446.3:c.635T>C/p.Ile212Thr ).

NM_004446.3(EPRS1):c.1459A>G (p.Met487Val)

Gene: EPRS1 (glutamyl-prolyl-tRNA synthetase 1; minus strand). Cytogenetic location: 1q41.
Variant type: single nucleotide variant.
Coding change: c.1459A>G on transcript NM_004446.3 (MANE Select); coding-DNA position 1459, A replaced by G.
Protein change: p.Met487Val; replaces methionine 487 with valine.
Molecular consequence: missense variant.
Genome position (GRCh38, 1-based): chr1:220,018,484, T>C on the plus strand (A>G on the coding strand, the complement: EPRS1 is on the minus strand). VCF-style: chr1-220018484-T-C. GRCh37 (hg19) VCF-style: chr1-220191826-T-C.
Other names: EPRS; short protein forms M487V.
Identifiers: ClinVar variation 1703007 (VCV001703007.4), dbSNP rs2528022648, ClinGen allele CA344622006.